The following is an entry in ClinVar:

NM_000719.7(CACNA1C):c.6018C>T (p.Ser2006=)

Genes: CACNA1C (calcium voltage-gated channel subunit alpha1 C; plus strand), CACNA1C-AS1 (CACNA1C antisense RNA 1; minus strand). Cytogenetic location: 12p13.33.
Variant type: single nucleotide variant.
Coding change: c.6018C>T on transcript NM_000719.7 (MANE Select); coding-DNA position 6018, C replaced by T.
Protein change: p.Ser2006=; no amino-acid change (serine 2006 retained).
Molecular consequence: synonymous variant.
Genome position (GRCh38, 1-based): chr12:2,688,680, C>T. VCF-style: chr12-2688680-C-T. GRCh37 (hg19) VCF-style: chr12-2797846-C-T.
Other names: c.6162C>T, p.Ser2054= (NM_001129827.2); c.6141C>T, p.Ser2047= (NM_001129829.2); c.6123C>T, p.Ser2041= (NM_001129830.3, NM_001167624.3); c.6102C>T, p.Ser2034= (NM_001129831.2); c.6078C>T, p.Ser2026= (NM_001129832.2); c.6075C>T, p.Ser2025= (NM_001129833.2, NM_001129834.2, NM_001129835.2); c.6069C>T, p.Ser2023= (NM_001129836.2); c.6042C>T, p.Ser2014= (NM_001129837.2, NM_001129838.2); and 6 more.
Identifiers: ClinVar variation 701547 (VCV000701547.17), dbSNP rs368817423, ClinGen allele CA6390051.
Genomic context (GRCh38, chr12:2,688,680, plus strand): 5'-CTTCCCATCCATCCACTGCGGCTCCTGGGCTGAGACCACCCCCGGTGGCGGGGGCAGCAG[C>T]GCCGCCCGGAGAGTCCGGCCCGTCTCCCTCATGGTGCCCAGCCAGGCTGGGGCCCCAGGG-3'
Protein context (NP_000710.5, residues 1996-2016): AETTPGGGGS[Ser2006=]AARRVRPVSL

ClinVar aggregate classification (germline): Likely benign. Review status: criteria provided, multiple submitters, no conflicts (2 of 4 stars). 5 submissions from 5 submitters: Likely benign (4). 1 of the submissions does not count toward it. Last evaluated 2026-01-27.

Conditions:
CACNA1C-related disorder. Also called: CACNA1C-related condition; CACNA1C-related disorders. Identifiers: MedGen CN381092, MONDO:0700321.
Cardiovascular phenotype. Identifiers: MedGen CN230736.
Long QT syndrome (LQTS). Identifiers: MedGen C0023976, MeSH D008133, MONDO:0002442. Disease mechanism: loss of function. Inheritance: Various modes of inheritance.

Allele frequency attached by ClinVar (database versions not stated): TOPMed 0.00026; gnomAD 0.00019 and 0.00017; 1000 Genomes Project 0.00040; ExAC 0.00005; ESP Exome Variant Server 0.00008; 1000 Genomes Project 30x 0.00031.
gnomAD v4.1: 79 of 1,613,038 alleles (0.0049%); highest among the groups gnomAD compares: African/African-American, 0.071%; no homozygotes.

Submissions (5):

Labcorp Genetics (formerly Invitae), Labcorp
Classification: Likely benign for Long QT syndrome. Last evaluated: 2026-01-27. Review status: criteria provided, single submitter. Criteria: Invitae Variant Classification Sherloc (09022015). Collection method: clinical testing. Allele origin: germline.

Molecular Diagnostic Laboratory for Inherited Cardiovascular Disease, Montreal Heart Institute
Classification: Likely benign. Last evaluated: 2025-04-09. Review status: criteria provided, single submitter. Criteria: ACMG Guidelines, 2015. Collection method: clinical testing. Allele origin: germline. Affected: no.

Blueprint Genetics
Classification: Likely benign. Last evaluated: 2023-04-20. Review status: criteria provided, single submitter. Criteria: ACMG Guidelines, 2015. Collection method: clinical testing. Allele origin: germline.

Ambry Genetics
Classification: Likely benign for Cardiovascular phenotype. Last evaluated: 2020-01-09. Review status: criteria provided, single submitter. Criteria: Ambry Variant Classification Scheme 2023. Collection method: clinical testing. Allele origin: germline.

PreventionGenetics, part of Exact Sciences
Classification: Likely benign for CACNA1C-related condition. Last evaluated: 2020-03-17. Review status: no assertion criteria provided. Collection method: clinical testing. Allele origin: germline. Not counted in ClinVar's aggregate classification.
Comment: This variant is classified as likely benign based on ACMG/AMP sequence variant interpretation guidelines (Richards et al. 2015 PMID: 25741868, with internal and published modifications).